The following is an entry in ClinVar:

ClinVar aggregate classification (germline): Pathogenic (1 of 4 stars; one submission).

Conditions:
Hereditary cancer-predisposing syndrome. Also called: Neoplastic Syndromes, Hereditary; Hereditary Cancer Syndrome; Hereditary neoplastic syndrome; Tumor predisposition. Identifiers: Orphanet 140162, MedGen C0027672, MeSH D009386, MONDO:0015356.

Submission:

Ambry Genetics
Classification: Pathogenic for Hereditary cancer-predisposing syndrome. Last evaluated: 2023-04-06. Review status: criteria provided, single submitter. Criteria: Ambry Variant Classification Scheme 2023. Collection method: clinical testing. Allele origin: germline.
Comment: The p.Y273* pathogenic mutation (also known as c.819T>G), located in coding exon 5 of the MSH3 gene, results from a T to G substitution at nucleotide position 819. This changes the amino acid from a tyrosine to a stop codon within coding exon 5. This variant is considered to be rare based on population cohorts in the Genome Aggregation Database (gnomAD). This alteration is expected to result in loss of function by premature protein truncation or nonsense-mediated mRNA decay. As such, this alteration is interpreted as a disease-causing mutation.

NM_002439.5(MSH3):c.819T>G (p.Tyr273Ter)

Gene: MSH3 (mutS homolog 3; plus strand). Cytogenetic location: 5q14.1.
Variant type: single nucleotide variant.
Coding change: c.819T>G on transcript NM_002439.5 (MANE Select); coding-DNA position 819, T replaced by G.
Protein change: p.Tyr273Ter; replaces tyrosine 273 with a stop codon.
Molecular consequence: nonsense.
Genome position (GRCh38, 1-based): chr5:80,672,270, T>G. VCF-style: chr5-80672270-T-G. GRCh37 (hg19) VCF-style: chr5-79968089-T-G.
Other names: short protein forms Y273*.
Identifiers: ClinVar variation 2565639 (VCV002565639.2), dbSNP rs2112813757, ClinGen allele CA360267102.